The following is an entry in ClinVar:

NM_173076.3(ABCA12):c.5793del (p.Glu1932fs)

Gene: ABCA12 (ATP binding cassette subfamily A member 12; minus strand). Cytogenetic location: 2q35.
Variant type: Deletion.
Coding change: c.5793del on transcript NM_173076.3 (MANE Select); coding-DNA position 5793, one base deleted (A; older notation c.5793delA).
Protein change: p.Glu1932fs; shifts the reading frame from glutamic acid 1932.
Molecular consequence: frameshift variant. On other transcripts: non-coding transcript variant (1).
Genome position (GRCh38, 1-based): chr2:214,966,939, T deleted on the plus strand (A on the coding strand, the reverse complement: ABCA12 is on the minus strand). VCF-style (leftmost placement, unchanged base first): chr2-214966938-CT-C. GRCh37 (hg19) VCF-style: chr2-215831662-CT-C.
Other names: c.4839del, p.Glu1614fs (NM_015657.4); short protein forms E1614fs, E1932fs.
Identifiers: ClinVar variation 4294429 (VCV004294429.1).
Genomic context (GRCh38, chr2:214,966,938, plus strand): 5'-TAACTCGCAGAAGGAAATTATTCAGGCTGTTGAGGTAAGCTGGAAGGGAGTGATAGCCTT[CT>C]GGATCATACCATACCTATTAAATTCCAAAAGAAGGCAAGATCAATATTGCATTCAAATAA-3'

ClinVar aggregate classification (germline): Likely pathogenic (1 of 4 stars; one submission).

Conditions:
Autosomal recessive congenital ichthyosis 4A (LI2). Also called: ICHTHYOSIS CONGENITA IIB. Identifiers: Orphanet 313, MedGen C1832550, MONDO:0011026, OMIM 601277.
Autosomal recessive congenital ichthyosis 4B (ARCI4B). Also called: HARLEQUIN ICHTHYOSIS; ICHTHYOSIS CONGENITA, HARLEQUIN FETUS TYPE; Harlequin Fetus; Ichthyosis, congenital, autosomal recessive 4B (harlequin). Identifiers: Orphanet 457, MedGen C0598226, MONDO:0009443, OMIM 242500.

Submission:

Molecular Genetics Department, Kulakov National Medical Research Center for Obstetrics, Gynecology and Perinatology
Classification: Likely pathogenic for Autosomal recessive congenital ichthyosis 4B; Autosomal recessive congenital ichthyosis 4A. Review status: criteria provided, single submitter. Criteria: ACMG Guidelines, 2015. Collection method: clinical testing. Allele origin: germline. Affected: yes. Observed: 1 variant allele.
Comment: A previously undescribed heterozygous nucleotide variant creates a frameshift p.Glu1932LysfsTer13 in the ABCA12 gene. Homozygous and compound heterozygous variants are reported in patients with ichthyosis, congenital, autosomal recessive 4A, 601277; Ichthyosis, congenital, autosomal recessive 4B (harlequin), 242500. The variant is not present in population database (gnomAD no frequency). The variant is found in trans-position with the ABCA12 variant (NM_173076.3:c.5021del). In summary, the currently available evidence indicates that the variant is pathogenic, but additional data are needed to prove that conclusively. Therefore, this variant has been classified as likely pathogenic.